The following is an entry in ClinVar:

ClinVar aggregate classification (germline): Likely benign. Review status: criteria provided, multiple submitters, no conflicts (2 of 4 stars). 3 submissions from 3 submitters: Likely benign (3). Last evaluated 2026-02-18.

Conditions:
TSC2-related disorder. Also called: TSC2-related condition; TSC2-Related Disorders.
Hereditary cancer-predisposing syndrome. Also called: Hereditary Cancer Syndrome; Neoplastic Syndromes, Hereditary; Hereditary neoplastic syndrome; Tumor predisposition. Identifiers: Orphanet 140162, MedGen C0027672, MeSH D009386, MONDO:0015356.
Tuberous sclerosis 2 (TSC2). Identifiers: Orphanet 805, MedGen C1860707, MONDO:0013199, OMIM 613254.

Submissions (3):

PreventionGenetics, part of Exact Sciences
Classification: Likely benign for TSC2-related condition. Last evaluated: 2026-02-18. Review status: criteria provided, single submitter. Criteria: ACMG Guidelines, 2015. Collection method: clinical testing. Allele origin: germline.
Comment: This variant is classified as likely benign based on ACMG/AMP sequence variant interpretation guidelines (Richards et al. 2015 PMID: 25741868, with internal and published modifications).

Ambry Genetics
Classification: Likely benign for Hereditary cancer-predisposing syndrome. Last evaluated: 2024-08-18. Review status: criteria provided, single submitter. Criteria: Ambry Variant Classification Scheme 2023. Collection method: clinical testing. Allele origin: germline.

Labcorp Genetics (formerly Invitae), Labcorp
Classification: Likely benign for Tuberous sclerosis 2. Last evaluated: 2024-02-15. Review status: criteria provided, single submitter. Criteria: Invitae Variant Classification Sherloc (09022015). Collection method: clinical testing. Allele origin: germline.

NM_000548.5(TSC2):c.678C>G (p.Val226=)

Gene: TSC2 (TSC complex subunit 2; plus strand). Cytogenetic location: 16p13.3.
Variant type: single nucleotide variant.
Coding change: c.678C>G on transcript NM_000548.5 (MANE Select); coding-DNA position 678, C replaced by G.
Protein change: p.Val226=; no amino-acid change (valine 226 retained).
Molecular consequence: synonymous variant. On other transcripts: 5 prime UTR variant (10), non-coding transcript variant (5).
Genome position (GRCh38, 1-based): chr16:2,056,673, C>G. VCF-style: chr16-2056673-C-G. GRCh37 (hg19) VCF-style: chr16-2106674-C-G.
Other names: c.678C>G (NM_000548.4); c.678C>G, p.Val226= (NM_001077183.3, NM_001114382.3, NM_001363528.2 and 6 more transcripts); c.567C>G, p.Val189= (NM_001318827.2, NM_001406670.1, NM_001406678.1); c.531C>G, p.Val177= (NM_001318829.2, NM_001406675.1, NM_001406676.1 and 1 more transcripts); c.78C>G, p.Val26= (NM_001318831.2, NM_001406680.1, NM_001406682.1 and 6 more transcripts); c.711C>G, p.Val237= (NM_001318832.2); c.768C>G, p.Val256= (NM_001406667.1, NM_001406668.1); c.666C>G, p.Val222= (NM_001406671.1, NM_001406673.1); and 5 more.
Identifiers: ClinVar variation 3462603 (VCV003462603.4).